The following is an entry in ClinVar:

ClinVar aggregate classification (germline): Pathogenic. Review status: criteria provided, multiple submitters, no conflicts (2 of 4 stars). 2 submissions from 2 submitters: Pathogenic (2). Last evaluated 2025-03-11.

Conditions:
Episodic ataxia type 2 (EA2). Also called: EPISODIC ATAXIA, NYSTAGMUS-ASSOCIATED; ATAXIA, EPISODIC, WITH NYSTAGMUS; ATAXIA, FAMILIAL PAROXYSMAL; CEREBELLAR ATAXIA, PAROXYSMAL, ACETAZOLAMIDE-RESPONSIVE; CEREBELLOPATHY, HEREDITARY PAROXYSMAL; ACETAZOLAMIDE-RESPONSIVE HEREDITARY PAROXYSMAL CEREBELLAR ATAXIA. Identifiers: Orphanet 97, MedGen C1720416, MONDO:0007163, OMIM 108500.
Developmental and epileptic encephalopathy, 42 (DEE42A). Also called: Epileptic encephalopathy, early infantile, 42; DEVELOPMENTAL AND EPILEPTIC ENCEPHALOPATHY 42A; EPILEPTIC ENCEPHALOPATHY, EARLY INFANTILE, 42A. Identifiers: MedGen C4310716, MONDO:0014917, OMIM 617106.

Submissions (2):

GeneDx
Classification: Pathogenic. Last evaluated: 2025-03-11. Review status: criteria provided, single submitter. Criteria: GeneDx Variant Classification Process June 2021. Collection method: clinical testing. Allele origin: germline. Affected: yes.
Comment: Nonsense variant predicted to result in protein truncation or nonsense mediated decay in a gene for which loss of function is a known mechanism of disease; Not observed at significant frequency in large population cohorts (gnomAD); Has not been previously published as pathogenic or benign to our knowledge

Labcorp Genetics (formerly Invitae), Labcorp
Classification: Pathogenic for Developmental and epileptic encephalopathy, 42; Episodic ataxia type 2. Last evaluated: 2020-09-06. Review status: criteria provided, single submitter. Criteria: Invitae Variant Classification Sherloc (09022015). Collection method: clinical testing. Allele origin: germline.
Comment: For these reasons, this variant has been classified as Pathogenic. Loss-of-function variants in CACNA1A are known to be pathogenic (PMID: 10371528, 19486177, 25735478, 27250579). This variant has not been reported in the literature in individuals with CACNA1A-related conditions. ClinVar contains an entry for this variant (Variation ID: 546157). This variant is not present in population databases (ExAC no frequency). This sequence change creates a premature translational stop signal (p.Gln848*) in the CACNA1A gene. It is expected to result in an absent or disrupted protein product.

Literature cited by the submitters: PubMed 10371528 (cited by Labcorp Genetics (formerly Invitae), Labcorp); PubMed 19486177 (cited by Labcorp Genetics (formerly Invitae), Labcorp); PubMed 25735478 (cited by Labcorp Genetics (formerly Invitae), Labcorp); PubMed 27250579 (cited by Labcorp Genetics (formerly Invitae), Labcorp).

NM_001127222.2(CACNA1A):c.2539C>T (p.Gln847Ter)

Gene: CACNA1A (calcium voltage-gated channel subunit alpha1 A; minus strand). Cytogenetic location: 19p13.13.
Variant type: single nucleotide variant.
Coding change: c.2539C>T on transcript NM_001127222.2 (MANE Select); coding-DNA position 2539, C replaced by T.
Protein change: p.Gln847Ter; replaces glutamine 847 with a stop codon.
Molecular consequence: nonsense.
Genome position (GRCh38, 1-based): chr19:13,299,094, G>A on the plus strand (C>T on the coding strand, the complement: CACNA1A is on the minus strand). VCF-style: chr19-13299094-G-A. GRCh37 (hg19) VCF-style: chr19-13409908-G-A.
Other names: c.2551C>T, p.Gln851Ter (NM_000068.4, NM_023035.3); c.2542C>T, p.Gln848Ter (NM_001127221.2, NM_001174080.2); short protein forms Q848*, Q847*, Q851*.
Identifiers: ClinVar variation 546157 (VCV000546157.11), dbSNP rs1420078244, ClinGen allele CA404343230.